The following is an entry in ClinVar:

NM_014476.6(PDLIM3):c.812C>A (p.Thr271Lys)

Gene: PDLIM3 (PDZ and LIM domain 3; minus strand). Cytogenetic location: 4q35.1.
Variant type: single nucleotide variant.
Coding change: c.812C>A on transcript NM_014476.6 (MANE Select); coding-DNA position 812, C replaced by A.
Protein change: p.Thr271Lys; replaces threonine 271 with lysine.
Molecular consequence: missense variant. On other transcripts: non-coding transcript variant (1).
Genome position (GRCh38, 1-based): chr4:185,504,568, G>T on the plus strand (C>A on the coding strand, the complement: PDLIM3 is on the minus strand). VCF-style: chr4-185504568-G-T. GRCh37 (hg19) VCF-style: chr4-186425722-G-T.
Other names: c.668C>A, p.Thr223Lys (NM_001114107.5); c.548C>A, p.Thr183Lys (NM_001257962.2); c.311C>A, p.Thr104Lys (NM_001257963.2); short protein forms T104K, T183K, T223K, T271K.
Identifiers: ClinVar variation 3226321 (VCV003226321.1), dbSNP rs764497554, ClinGen allele CA358921402.

ClinVar aggregate classification (germline): Uncertain significance (1 of 4 stars; one submission).

gnomAD v4.1: 2 of 1,613,952 alleles (0.00012%); highest among the groups gnomAD compares: Middle Eastern, 0.033%; no homozygotes.

Submission:

Ambry Genetics
Classification: Uncertain significance. Last evaluated: 2023-12-24. Review status: criteria provided, single submitter. Criteria: Ambry Variant Classification Scheme 2023. Collection method: clinical testing. Allele origin: germline.
Comment: The p.T271K variant (also known as c.812C>A), located in coding exon 7 of the PDLIM3 gene, results from a C to A substitution at nucleotide position 812. The threonine at codon 271 is replaced by lysine, an amino acid with similar properties. This amino acid position is conserved. In addition, this alteration is predicted to be tolerated by in silico analysis. Since supporting evidence is limited at this time, the clinical significance of this alteration remains unclear.